The following is an entry in ClinVar:

NM_001184.4(ATR):c.1620C>T (p.Tyr540=)

Gene: ATR (ATR checkpoint kinase; minus strand). Cytogenetic location: 3q23.
Variant type: single nucleotide variant.
Coding change: c.1620C>T on transcript NM_001184.4 (MANE Select); coding-DNA position 1620, C replaced by T.
Protein change: p.Tyr540=; no amino-acid change (tyrosine 540 retained).
Molecular consequence: synonymous variant.
Genome position (GRCh38, 1-based): chr3:142,559,363, G>A on the plus strand (C>T on the coding strand, the complement: ATR is on the minus strand). VCF-style: chr3-142559363-G-A. GRCh37 (hg19) VCF-style: chr3-142278205-G-A.
Other names: c.1428C>T, p.Tyr476= (NM_001354579.2).
Identifiers: ClinVar variation 901182 (VCV000901182.37), dbSNP rs763088062, ClinGen allele CA2650548.

ClinVar aggregate classification (germline): Conflicting classifications of pathogenicity. Review status: criteria provided, conflicting classifications (1 of 4 stars). 4 submissions from 4 submitters: Uncertain significance (1); Likely benign (3). Last evaluated 2025-01-23.

Conditions:
Seckel syndrome 1 (SCKL1). Also called: MICROCEPHALIC PRIMORDIAL DWARFISM I. Identifiers: Orphanet 808, MedGen C4551474, MONDO:0008869, OMIM 210600.
Inborn genetic diseases. Identifiers: MedGen C0950123, MeSH D030342.

Allele frequency attached by ClinVar (database versions not stated): gnomAD exomes below 0.00001; ExAC 0.00001.
gnomAD v4.1: 3 of 1,613,802 alleles (0.00019%); highest among the groups gnomAD compares: Non-Finnish European, 0.000085%; no homozygotes.

Submissions (4):

Labcorp Genetics (formerly Invitae), Labcorp
Classification: Likely benign. Last evaluated: 2025-01-23. Review status: criteria provided, single submitter. Criteria: Invitae Variant Classification Sherloc (09022015). Collection method: clinical testing. Allele origin: germline.

CeGaT Center for Human Genetics Tuebingen
Classification: Likely benign. Last evaluated: 2023-07-01. Review status: criteria provided, single submitter. Criteria: CeGaT Center For Human Genetics Tuebingen Variant Classification Criteria Version 2. Collection method: clinical testing. Allele origin: germline. Affected: yes. Observed: 1 variant allele.
Comment: ATR: BP4, BP7

Ambry Genetics
Classification: Likely benign for Inborn genetic diseases. Last evaluated: 2022-04-04. Review status: criteria provided, single submitter. Criteria: Ambry Variant Classification Scheme 2023. Collection method: clinical testing. Allele origin: germline.

Illumina Laboratory Services, Illumina
Classification: Uncertain significance for Seckel syndrome 1. Last evaluated: 2017-04-27. Review status: criteria provided, single submitter. Criteria: ICSL Variant Classification Criteria 13 December 2019. Collection method: clinical testing. Allele origin: germline.